The following is an entry in ClinVar:

NM_004839.4(HOMER2):c.407C>T (p.Thr136Met)

Gene: HOMER2 (homer scaffold protein 2; minus strand). Cytogenetic location: 15q25.2.
Variant type: single nucleotide variant.
Coding change: c.407C>T on transcript NM_004839.4 (MANE Select); coding-DNA position 407, C replaced by T.
Protein change: p.Thr136Met; replaces threonine 136 with methionine.
Molecular consequence: missense variant.
Genome position (GRCh38, 1-based): chr15:82,859,116, G>A on the plus strand (C>T on the coding strand, the complement: HOMER2 is on the minus strand). VCF-style: chr15-82859116-G-A. GRCh37 (hg19) VCF-style: chr15-83527868-G-A.
Other names: c.440C>T, p.Thr147Met (NM_199330.3); short protein forms T147M, T136M.
Identifiers: ClinVar variation 2299934 (VCV002299934.6), dbSNP rs150399702, ClinGen allele CA7702157.

ClinVar aggregate classification (germline): Uncertain significance. Review status: criteria provided, multiple submitters, no conflicts (2 of 4 stars). 3 submissions from 3 submitters: Uncertain significance (3). Last evaluated 2025-08-09.

Conditions:
Inborn genetic diseases. Identifiers: MedGen C0950123, MeSH D030342.

Allele frequency attached by ClinVar (database versions not stated): gnomAD exomes 0.00002; TOPMed 0.00002; ExAC 0.00004; gnomAD 0.00005; ESP Exome Variant Server 0.00008; 1000 Genomes Project 30x 0.00016; 1000 Genomes Project 0.00020.
gnomAD v4.1: 32 of 1,613,926 alleles (0.002%); highest among the groups gnomAD compares: Middle Eastern, 0.017%; no homozygotes.

Submissions (3):

GeneDx
Classification: Uncertain significance. Last evaluated: 2025-08-09. Review status: criteria provided, single submitter. Criteria: GeneDx Variant Classification Process June 2021. Collection method: clinical testing. Allele origin: germline.
Comment: De novo variant with confirmed parentage in a patient with autism spectrum disorder in the published literature (PMID: 36320054); In silico analysis supports that this missense variant has a deleterious effect on protein structure/function; Variants in candidate genes are classified as variants of uncertain significance in accordance with ACMG guidelines (PMID: 25741868); This variant is associated with the following publications: (PMID: 36320054)

Labcorp Genetics (formerly Invitae), Labcorp
Classification: Uncertain significance. Last evaluated: 2023-04-15. Review status: criteria provided, single submitter. Criteria: Invitae Variant Classification Sherloc (09022015). Collection method: clinical testing. Allele origin: germline.
Comment: This sequence change replaces threonine, which is neutral and polar, with methionine, which is neutral and non-polar, at codon 136 of the HOMER2 protein (p.Thr136Met). This variant is present in population databases (rs150399702, gnomAD 0.01%). This variant has not been reported in the literature in individuals affected with HOMER2-related conditions. ClinVar contains an entry for this variant (Variation ID: 2299934). An algorithm developed to predict the effect of missense changes on protein structure and function (PolyPhen-2) suggests that this variant is likely to be disruptive. In summary, the available evidence is currently insufficient to determine the role of this variant in disease. Therefore, it has been classified as a Variant of Uncertain Significance.

Ambry Genetics
Classification: Uncertain significance for Inborn genetic diseases. Last evaluated: 2022-07-07. Review status: criteria provided, single submitter. Criteria: Ambry Variant Classification Scheme 2023. Collection method: clinical testing. Allele origin: germline.